The following is an entry in ClinVar:

ClinVar aggregate classification (germline): Likely benign. Review status: criteria provided, multiple submitters, no conflicts (2 of 4 stars). 3 submissions from 3 submitters: Likely benign (2). 1 of the submissions does not count toward it. Last evaluated 2025-04-21.

Conditions:
POLR3A-related disorder. Also called: POLR3A-related condition; POLR3A-related disorders. Identifiers: MedGen CN378587, MONDO:0700276.

Allele frequency attached by ClinVar (database versions not stated): gnomAD 0.00001; gnomAD exomes 0.00002; TOPMed 0.00002; ExAC 0.00004; 1000 Genomes Project 30x 0.00016; 1000 Genomes Project 0.00020.
gnomAD v4.1: 35 of 1,613,992 alleles (0.0022%); highest among the groups gnomAD compares: African/African-American, 0.0067%; no homozygotes.

Submissions (3):

Labcorp Genetics (formerly Invitae), Labcorp
Classification: Likely benign. Last evaluated: 2025-04-21. Review status: criteria provided, single submitter. Criteria: Invitae Variant Classification Sherloc (09022015). Collection method: clinical testing. Allele origin: germline.

Blueprint Genetics
Classification: Likely benign. Last evaluated: 2024-09-12. Review status: criteria provided, single submitter. Criteria: ACMG Guidelines, 2015. Collection method: clinical testing. Allele origin: germline.

PreventionGenetics, part of Exact Sciences
Classification: Likely benign for POLR3A-related condition. Last evaluated: 2019-11-06. Review status: no assertion criteria provided. Collection method: clinical testing. Allele origin: germline. Not counted in ClinVar's aggregate classification.
Comment: This variant is classified as likely benign based on ACMG/AMP sequence variant interpretation guidelines (Richards et al. 2015 PMID: 25741868, with internal and published modifications).

NM_007055.4(POLR3A):c.2559C>T (p.Ala853=)

Gene: POLR3A (RNA polymerase III subunit A; minus strand). Cytogenetic location: 10q22.3.
Variant type: single nucleotide variant.
Coding change: c.2559C>T on transcript NM_007055.4 (MANE Select); coding-DNA position 2559, C replaced by T.
Protein change: p.Ala853=; no amino-acid change (alanine 853 retained).
Molecular consequence: synonymous variant.
Genome position (GRCh38, 1-based): chr10:78,000,038, G>A on the plus strand (C>T on the coding strand, the complement: POLR3A is on the minus strand). VCF-style: chr10-78000038-G-A. GRCh37 (hg19) VCF-style: chr10-79759796-G-A.
Other names: c.2559C>T (NM_007055.3).
Identifiers: ClinVar variation 1967897 (VCV001967897.8), dbSNP rs200663916, ClinGen allele CA5571092.